The following is an entry in ClinVar:

NM_015909.4(NBAS):c.5806A>C (p.Asn1936His)

Gene: NBAS (NBAS subunit of NRZ tethering complex; minus strand). Cytogenetic location: 2p24.3.
Variant type: single nucleotide variant.
Coding change: c.5806A>C on transcript NM_015909.4 (MANE Select); coding-DNA position 5806, A replaced by C.
Protein change: p.Asn1936His; replaces asparagine 1936 with histidine.
Molecular consequence: missense variant. On other transcripts: non-coding transcript variant (1).
Genome position (GRCh38, 1-based): chr2:15,238,605, T>G on the plus strand (A>C on the coding strand, the complement: NBAS is on the minus strand). VCF-style: chr2-15238605-T-G. GRCh37 (hg19) VCF-style: chr2-15378729-T-G.
Other names: c.5806A>C (NM_015909.2); short protein forms N1936H.
Identifiers: ClinVar variation 1957773 (VCV001957773.3), dbSNP rs1220576052, ClinGen allele CA345891839.

ClinVar aggregate classification (germline): Uncertain significance. Review status: criteria provided, multiple submitters, no conflicts (2 of 4 stars). 2 submissions from 2 submitters: Uncertain significance (2). Last evaluated 2025-07-18.

Conditions:
Inborn genetic diseases. Identifiers: MedGen C0950123, MeSH D030342.

Allele frequency attached by ClinVar (database versions not stated): gnomAD exomes below 0.00001; gnomAD 0.00001; TOPMed 0.00001.
gnomAD v4.1: 7 of 1,613,560 alleles (0.00043%); highest among the groups gnomAD compares: African/African-American, 0.0013%; no homozygotes.

Submissions (2):

Ambry Genetics
Classification: Uncertain significance for Inborn genetic diseases. Last evaluated: 2025-07-18. Review status: criteria provided, single submitter. Criteria: Ambry Variant Classification Scheme 2023. Collection method: clinical testing. Allele origin: germline.

Labcorp Genetics (formerly Invitae), Labcorp
Classification: Uncertain significance. Last evaluated: 2022-01-02. Review status: criteria provided, single submitter. Criteria: Invitae Variant Classification Sherloc (09022015). Collection method: clinical testing. Allele origin: germline.
Comment: This sequence change replaces asparagine, which is neutral and polar, with histidine, which is basic and polar, at codon 1936 of the NBAS protein (p.Asn1936His). This variant is not present in population databases (gnomAD no frequency). This variant has not been reported in the literature in individuals affected with NBAS-related conditions. Algorithms developed to predict the effect of missense changes on protein structure and function are either unavailable or do not agree on the potential impact of this missense change (SIFT: "Deleterious"; PolyPhen-2: "Benign"; Align-GVGD: "Class C65"). In summary, the available evidence is currently insufficient to determine the role of this variant in disease. Therefore, it has been classified as a Variant of Uncertain Significance.